The following is an entry in ClinVar:

NM_002047.4(GARS1):c.101G>A (p.Arg34Gln)

Gene: GARS1 (glycyl-tRNA synthetase 1; plus strand). Cytogenetic location: 7p14.3.
Variant type: single nucleotide variant.
Coding change: c.101G>A on transcript NM_002047.4 (MANE Select); coding-DNA position 101, G replaced by A.
Protein change: p.Arg34Gln; replaces arginine 34 with glutamine.
Molecular consequence: missense variant. On other transcripts: 5 prime UTR variant (1).
Genome position (GRCh38, 1-based): chr7:30,595,022, G>A. VCF-style: chr7-30595022-G-A. GRCh37 (hg19) VCF-style: chr7-30634638-G-A.
Other names: c.-62G>A (NM_001316772.1); short protein forms R34Q.
Identifiers: ClinVar variation 1680874 (VCV001680874.6), dbSNP rs1189675611, ClinGen allele CA367138540.

ClinVar aggregate classification (germline): Uncertain significance. Review status: criteria provided, multiple submitters, no conflicts (2 of 4 stars). 2 submissions from 2 submitters: Uncertain significance (2). Last evaluated 2023-10-17.

Conditions:
Charcot-Marie-Tooth disease type 2. Also called: Charcot-Marie-Tooth type 2. Identifiers: Orphanet 64746, MedGen C0270914, MONDO:0018993.

Allele frequency attached by ClinVar (database versions not stated): TOPMed below 0.00001; gnomAD exomes 0.00001.
gnomAD v4.1: 3 of 1,578,838 alleles (0.00019%); highest among the groups gnomAD compares: Middle Eastern, 0.017%; no homozygotes.

Submissions (2):

Women's Health and Genetics/Laboratory Corporation of America, LabCorp
Classification: Uncertain significance. Last evaluated: 2023-10-17. Review status: criteria provided, single submitter. Criteria: LabCorp Variant Classification Summary - May 2015. Collection method: clinical testing. Allele origin: germline.
Comment: Variant summary: GARS1 c.101G>A (p.Arg34Gln) results in a conservative amino acid change in the encoded protein sequence. Five of five in-silico tools predict a benign effect of the variant on protein function. The variant allele was found at a frequency of 5.2e-06 in 192270 control chromosomes. The available data on variant occurrences in the general population are insufficient to allow any conclusion about variant significance. To our knowledge, no occurrence of c.101G>A in individuals affected with GARS1-Related Disorders and no experimental evidence demonstrating its impact on protein function have been reported. One submitter has cited clinical-significance assessments for this variant to ClinVar after 2014 and has classified the variant as uncertain significance. Based on the evidence outlined above, the variant was classified as uncertain significance.

Labcorp Genetics (formerly Invitae), Labcorp
Classification: Uncertain significance for Charcot-Marie-Tooth disease type 2. Last evaluated: 2021-11-27. Review status: criteria provided, single submitter. Criteria: Invitae Variant Classification Sherloc (09022015). Collection method: clinical testing. Allele origin: germline.
Comment: Algorithms developed to predict the effect of sequence changes on RNA splicing suggest that this variant may create or strengthen a splice site. In summary, the available evidence is currently insufficient to determine the role of this variant in disease. Therefore, it has been classified as a Variant of Uncertain Significance. Algorithms developed to predict the effect of missense changes on protein structure and function are either unavailable or do not agree on the potential impact of this missense change (SIFT: "Tolerated"; PolyPhen-2: "Not Available"; Align-GVGD: "Class C0"). This variant has not been reported in the literature in individuals affected with GARS-related conditions. The frequency data for this variant in the population databases is considered unreliable, as metrics indicate poor data quality at this position in the gnomAD database. This sequence change replaces arginine, which is basic and polar, with glutamine, which is neutral and polar, at codon 34 of the GARS protein (p.Arg34Gln).